The following is an entry in ClinVar:

ClinVar aggregate classification (germline): Likely benign (0 of 4 stars; one submission).

Conditions:
APAF1-related disorder. Also called: APAF1-related condition.

Allele frequency attached by ClinVar (database versions not stated): TOPMed 0.00035; gnomAD exomes 0.00041; ExAC 0.00051; gnomAD 0.00051.
gnomAD v4.1: 683 of 1,613,980 alleles (0.042%); highest among the groups gnomAD compares: Non-Finnish European, 0.05%; 1 homozygote.

Submission:

PreventionGenetics, part of Exact Sciences
Classification: Likely benign for APAF1-related condition. Last evaluated: 2019-05-28. Review status: no assertion criteria provided. Collection method: clinical testing. Allele origin: germline.
Comment: This variant is classified as likely benign based on ACMG/AMP sequence variant interpretation guidelines (Richards et al. 2015 PMID: 25741868, with internal and published modifications).

NM_181861.2(APAF1):c.3457-7T>C

Gene: APAF1 (apoptotic peptidase activating factor 1; plus strand). Cytogenetic location: 12q23.1.
Variant type: single nucleotide variant.
Coding change: c.3457-7T>C on transcript NM_181861.2 (MANE Select); 7 bases into the intron before coding-DNA position 3457, T replaced by C.
Molecular consequence: intron variant.
Genome position (GRCh38, 1-based): chr12:98,727,166, T>C. VCF-style: chr12-98727166-T-C. GRCh37 (hg19) VCF-style: chr12-99120944-T-C.
Other names: c.3328-7T>C (NM_181868.2); c.956-5254T>C (NM_181869.2); c.3424-7T>C (NM_013229.3); c.3295-7T>C (NM_001160.3).
Identifiers: ClinVar variation 3041818 (VCV003041818.2), dbSNP rs755498688, ClinGen allele CA6734556.